The following is an entry in ClinVar:

ClinVar aggregate classification (germline): Likely benign. Review status: criteria provided, multiple submitters, no conflicts (2 of 4 stars). 3 submissions from 3 submitters: Likely benign (3). Last evaluated 2024-09-25.

Allele frequency attached by ClinVar (database versions not stated): gnomAD exomes below 0.00001; TOPMed below 0.00001.
gnomAD v4.1: 14 of 1,614,218 alleles (0.00087%); highest among the groups gnomAD compares: Middle Eastern, 0.17%; no homozygotes.

Submissions (3):

Blueprint Genetics
Classification: Likely benign. Last evaluated: 2024-09-25. Review status: criteria provided, single submitter. Criteria: ACMG Guidelines, 2015. Collection method: clinical testing. Allele origin: germline.

GeneDx
Classification: Likely benign. Last evaluated: 2016-03-10. Review status: criteria provided, single submitter. Criteria: GeneDx Variant Classification (06012015). Collection method: clinical testing. Allele origin: germline. Affected: yes.
Comment: This variant is considered likely benign or benign based on one or more of the following criteria: it is a conservative change, it occurs at a poorly conserved position in the protein, it is predicted to be benign by multiple in silico algorithms, and/or has population frequency not consistent with disease.

Breakthrough Genomics
Classification: Likely benign. Review status: criteria provided, single submitter. Criteria: ACMG Guidelines, 2015. Collection method: not provided. Allele origin: germline. Inheritance: Autosomal dominant inheritance. Affected: yes.

NM_006009.4(TUBA1A):c.1257A>G (p.Ser419=)

Gene: TUBA1A (tubulin alpha 1a; minus strand). Cytogenetic location: 12q13.12.
Variant type: single nucleotide variant.
Coding change: c.1257A>G on transcript NM_006009.4 (MANE Select); coding-DNA position 1257, A replaced by G.
Protein change: p.Ser419=; no amino-acid change (serine 419 retained).
Molecular consequence: synonymous variant.
Genome position (GRCh38, 1-based): chr12:49,185,109, T>C on the plus strand (A>G on the coding strand, the complement: TUBA1A is on the minus strand). VCF-style: chr12-49185109-T-C. GRCh37 (hg19) VCF-style: chr12-49578892-T-C.
Other names: c.1257A>G, p.Ser419= (NM_001270399.2); c.1152A>G, p.Ser384= (NM_001270400.2).
Identifiers: ClinVar variation 384472 (VCV000384472.3), dbSNP rs865953916, ClinGen allele CA16607304.